The following is an entry in ClinVar:

ClinVar aggregate classification (germline): Uncertain significance (1 of 4 stars; one submission).

Conditions:
Polycystic kidney disease 4 (PKD4). Also called: POLYCYSTIC KIDNEY DISEASE 4 WITH OR WITHOUT POLYCYSTIC LIVER DISEASE; POLYCYSTIC KIDNEY AND HEPATIC DISEASE 1; POLYCYSTIC KIDNEY DISEASE, INFANTILE, TYPE I; PKD3; Autosomal Recessive Polycystic Kidney Disease – PKHD1. Identifiers: MedGen C4540575, MONDO:0033004, OMIM 263200.

Submission:

Juno Genomics, Hangzhou Juno Genomics, Inc
Classification: Uncertain significance for Polycystic kidney disease 4. Review status: criteria provided, single submitter. Criteria: ACMG Guidelines, 2015. Collection method: clinical testing. Allele origin: germline.
Comment: Absent from controls (or at extremely low frequency if recessive) in Genome Aggregation Database.;Multiple lines of computational evidence support a deleterious effect on the gene or gene product.

NM_138694.4(PKHD1):c.8989G>T (p.Gly2997Trp)

Gene: PKHD1 (PKHD1 ciliary IPT domain containing fibrocystin/polyductin; minus strand). Cytogenetic location: 6p12.3.
Variant type: single nucleotide variant.
Coding change: c.8989G>T on transcript NM_138694.4 (MANE Select); coding-DNA position 8989, G replaced by T.
Protein change: p.Gly2997Trp; replaces glycine 2997 with tryptophan.
Molecular consequence: missense variant.
Genome position (GRCh38, 1-based): chr6:51,748,627, C>A on the plus strand (G>T on the coding strand, the complement: PKHD1 is on the minus strand). VCF-style: chr6-51748627-C-A. GRCh37 (hg19) VCF-style: chr6-51613425-C-A.
Other names: c.8989G>T, p.Gly2997Trp (NM_170724.3); short protein forms G2997W.
Identifiers: ClinVar variation 5018850 (VCV005018850.2).